The following is an entry in ClinVar:

ClinVar aggregate classification (germline): Uncertain significance (1 of 4 stars; one submission).

Conditions:
Autosomal recessive limb-girdle muscular dystrophy type 2J (LGMDR10). Also called: Limb-girdle muscular dystrophy, type 2J; MUSCULAR DYSTROPHY, LIMB-GIRDLE, AUTOSOMAL RECESSIVE 10. Identifiers: Orphanet 140922, MedGen C1837342, MONDO:0012127, OMIM 608807.
Dilated cardiomyopathy 1G (CMD1G). Identifiers: Orphanet 154, MedGen C1858763, MONDO:0011400, OMIM 604145.

Submission:

Labcorp Genetics (formerly Invitae), Labcorp
Classification: Uncertain significance for Dilated cardiomyopathy 1G; Autosomal recessive limb-girdle muscular dystrophy type 2J. Last evaluated: 2025-04-17. Review status: criteria provided, single submitter. Criteria: Invitae Variant Classification Sherloc (09022015). Collection method: clinical testing. Allele origin: germline.
Comment: This sequence change replaces alanine, which is neutral and non-polar, with threonine, which is neutral and polar, at codon 34753 of the TTN protein (p.Ala34753Thr). This variant is not present in population databases (gnomAD no frequency). This variant has not been reported in the literature in individuals affected with TTN-related conditions. An algorithm developed to predict the effect of missense changes on protein structure and function outputs the following: PolyPhen-2: "Not Available". The threonine amino acid residue is found in multiple mammalian species, which suggests that this missense change does not adversely affect protein function. This variant is located in the M band of TTN (PMID: 25589632). Non-truncating variants in this region may be relevant for neuromuscular disorders, but have not been definitively shown to cause cardiomyopathy (PMID: 23975875). In summary, the available evidence is currently insufficient to determine the role of this variant in disease. Therefore, it has been classified as a Variant of Uncertain Significance.

Literature cited by the submitters: PubMed 25589632; PubMed 23975875.

NM_001267550.2(TTN):c.104257G>A (p.Ala34753Thr)

Genes: TTN-AS1 (TTN antisense RNA 1; plus strand), TTN (titin; minus strand). Cytogenetic location: 2q31.2.
Variant type: single nucleotide variant.
Coding change: c.104257G>A on transcript NM_001267550.2 (MANE Select); coding-DNA position 104257, G replaced by A.
Protein change: p.Ala34753Thr; replaces alanine 34753 with threonine.
Molecular consequence: missense variant.
Genome position (GRCh38, 1-based): chr2:178,532,358, C>T on the plus strand (G>A on the coding strand, the complement: TTN is on the minus strand). VCF-style: chr2-178532358-C-T. GRCh37 (hg19) VCF-style: chr2-179397085-C-T.
Other names: c.99334G>A, p.Ala33112Thr (NM_001256850.1); c.77062G>A, p.Ala25688Thr (NM_003319.4); c.96553G>A, p.Ala32185Thr (NM_133378.4); c.77437G>A, p.Ala25813Thr (NM_133432.3); c.77638G>A, p.Ala25880Thr (NM_133437.4); short protein forms A25688T, A25813T, A25880T, A34753T, A33112T, A32185T.
Identifiers: ClinVar variation 4784754 (VCV004784754.1).